The following is an entry in ClinVar:

NM_015570.4(AUTS2):c.1766G>C (p.Gly589Ala)

Gene: AUTS2 (activator of transcription and developmental regulator AUTS2; plus strand). Cytogenetic location: 7q11.22.
Variant type: single nucleotide variant.
Coding change: c.1766G>C on transcript NM_015570.4 (MANE Select); coding-DNA position 1766, G replaced by C.
Protein change: p.Gly589Ala; replaces glycine 589 with alanine.
Molecular consequence: missense variant.
Genome position (GRCh38, 1-based): chr7:70,771,580, G>C. VCF-style: chr7-70771580-G-C. GRCh37 (hg19) VCF-style: chr7-70236566-G-C.
Other names: c.1766G>C, p.Gly589Ala (NM_001127231.3); short protein forms G589A.
Identifiers: ClinVar variation 1030520 (VCV001030520.4), dbSNP rs756954861, ClinGen allele CA367669323.

ClinVar aggregate classification (germline): Uncertain significance. Review status: criteria provided, multiple submitters, no conflicts (2 of 4 stars). 2 submissions from 2 submitters: Uncertain significance (2). Last evaluated 2023-10-23.

Conditions:
Autism spectrum disorder due to AUTS2 deficiency (MRD26). Also called: INTELLECTUAL DEVELOPMENTAL DISORDER, AUTOSOMAL DOMINANT 26. Identifiers: Orphanet 352490, MedGen C4014435, MONDO:0014361, OMIM 615834.

Allele frequency attached by ClinVar (database versions not stated): TOPMed below 0.00001; gnomAD 0.00001.
gnomAD v4.1: 61 of 1,612,750 alleles (0.0038%); highest among the groups gnomAD compares: Non-Finnish European, 0.0051%; no homozygotes.

Submissions (2):

Labcorp Genetics (formerly Invitae), Labcorp
Classification: Uncertain significance. Last evaluated: 2023-10-23. Review status: criteria provided, single submitter. Criteria: Invitae Variant Classification Sherloc (09022015). Collection method: clinical testing. Allele origin: germline.
Comment: This sequence change replaces glycine, which is neutral and non-polar, with alanine, which is neutral and non-polar, at codon 589 of the AUTS2 protein (p.Gly589Ala). This variant is present in population databases (no rsID available, gnomAD 0.0009%). This variant has not been reported in the literature in individuals affected with AUTS2-related conditions. ClinVar contains an entry for this variant (Variation ID: 1030520). Advanced modeling of protein sequence and biophysical properties (such as structural, functional, and spatial information, amino acid conservation, physicochemical variation, residue mobility, and thermodynamic stability) performed at Invitae indicates that this missense variant is expected to disrupt AUTS2 protein function with a positive predictive value of 80%. In summary, the available evidence is currently insufficient to determine the role of this variant in disease. Therefore, it has been classified as a Variant of Uncertain Significance.

Baylor Genetics
Classification: Uncertain significance for Autism spectrum disorder due to AUTS2 deficiency. Last evaluated: 2019-04-07. Review status: criteria provided, single submitter. Criteria: ACMG Guidelines, 2015. Collection method: clinical testing. Allele origin: maternal. Affected: yes.
Comment: This variant was determined to be of uncertain significance according to ACMG Guidelines, 2015 [PMID:25741868].